The following is an entry in ClinVar:

ClinVar aggregate classification (germline): Pathogenic/Likely pathogenic. Review status: criteria provided, multiple submitters, no conflicts (2 of 4 stars). 16 submissions from 15 submitters: Pathogenic (13); Likely pathogenic (1). 2 of the submissions do not count toward it. Last evaluated 2026-03-02.

Conditions:
Hereditary cancer-predisposing syndrome. Also called: Tumor predisposition; Hereditary neoplastic syndrome; Hereditary Cancer Syndrome; Neoplastic Syndromes, Hereditary. Identifiers: Orphanet 140162, MedGen C0027672, MeSH D009386, MONDO:0015356.
Neoplasm of stomach. Also called: Neoplasm of the stomach; Gastric neoplasm; Stomach Neoplasms. Identifiers: MedGen C0038356, MONDO:0021085, HP:0006753. Disease mechanism: gain of function. Inheritance: Somatic mutation.
Pilomatrixoma (PTR). Also called: Pilomatricoma, somatic; EPITHELIOMA CALCIFICANS OF MALHERBE; PILOMATRICOMA. Identifiers: Orphanet 91414, MedGen C0206711, MeSH D018296, MONDO:0007564, OMIM 132600, HP:0030434.
Familial adenomatous polyposis 2. Also called: COLORECTAL ADENOMATOUS POLYPOSIS, AUTOSOMAL RECESSIVE; ADENOMAS, MULTIPLE COLORECTAL, AUTOSOMAL RECESSIVE; Adenomas, multiple colorectal; FAP type 2; MUTYH-associated polyposis; MUTYH Polyposis. Identifiers: Orphanet 220460, Orphanet 247798, MedGen C3272841, MONDO:0012041, OMIM 608456.
Carcinoma of colon (CRC). Also called: Colonic carcinoma; Colon carcinoma. Identifiers: MedGen C0699790, MONDO:0002032.

Allele frequency attached by ClinVar (database versions not stated): gnomAD 0.00004 and 0.00003; TOPMed 0.00002.
gnomAD v4.1: 10 of 1,614,108 alleles (0.00062%); highest among the groups gnomAD compares: Admixed American, 0.0083%; no homozygotes.

Submissions 1 to 8 of 16:

Dasa
Classification: Likely pathogenic. Last evaluated: 2026-03-02. Review status: criteria provided, single submitter. Criteria: DASA Assertion Criteria. Collection method: clinical testing. Allele origin: germline.
Comment: NM_001048174.2(MUTYH):c.305-1G>C affects a canonical splice site and is predicted to disrupt normal RNA splicing. Loss of function is an established disease mechanism for MUTYH-associated disorders. Segregation data support an association with disease in the reported family/families (PMID: 15366000). This variant has been recurrently observed in individuals with MUTYH-related disorders (PMID: 15366000; PMID: 23561487). Also, this variant is rare in population databases. Based on the currently available evidence, this variant is classified as likely pathogenic.

Labcorp Genetics (formerly Invitae), Labcorp
Classification: Pathogenic for Familial adenomatous polyposis 2. Last evaluated: 2025-12-09. Review status: criteria provided, single submitter. Criteria: Invitae Variant Classification Sherloc (09022015). Collection method: clinical testing. Allele origin: germline.
Comment: This sequence change affects an acceptor splice site in intron 4 of the MUTYH gene. RNA analysis indicates that disruption of this splice site induces altered splicing and may result in an absent or altered protein product. This variant is not present in population databases (gnomAD no frequency). Disruption of this splice site has been observed in individual(s) with colorectal polyposis (PMID: 15366000, 17949294, 23561487; internal data). In at least one individual the data is consistent with being in trans (on the opposite chromosome) from a pathogenic variant. This variant is also known as c.347-1G>C. ClinVar contains an entry for this variant (Variation ID: 234229). Studies have shown that disruption of this splice site results in activation of a cryptic splice site in exon 5, and produces a non-functional protein and/or introduces a premature termination codon (internal data). For these reasons, this variant has been classified as Pathogenic.

Ambry Genetics
Classification: Pathogenic for Hereditary cancer-predisposing syndrome. Last evaluated: 2025-08-13. Review status: criteria provided, single submitter. Criteria: Ambry Variant Classification Scheme 2023. Collection method: clinical testing. Allele origin: germline.
Comment: The c.389-1G>C intronic variant results from a G to C substitution one nucleotide before coding exon 5 of the MUTYH gene. Alterations that disrupt the canonical splice site are expected to cause aberrant splicing, resulting in an abnormal protein or a transcript that is subject to nonsense-mediated mRNA decay. This variant was not reported in population-based cohorts in the Genome Aggregation Database (gnomAD). This alteration has been identified as homozygous and in conjunction with other common pathogenic MUTYH mutations in multiple patients with 30-100 colorectal adenomas (Isidro, 2004; Torrezan, 2013; Filipe, 2009; Ambry internal data). Of note, this alteration is also designated c.347-1G>C in published literature. This nucleotide position is highly conserved in available vertebrate species. In silico splice site analysis predicts that this alteration will weaken the native splice acceptor site and will result in the creation or strengthening of a novel splice acceptor site. Based on the available evidence, this alteration is classified as pathogenic.

Color Diagnostics, LLC DBA Color Health
Classification: Pathogenic for Hereditary cancer-predisposing syndrome. Last evaluated: 2025-03-11. Review status: criteria provided, single submitter. Criteria: ACMG Guidelines, 2015. Collection method: clinical testing. Allele origin: germline.
Comment: This variant causes a G to C nucleotide substitution at the -1 position of intron 4 splice acceptor site of the MUTYH gene. This variant is also known as c.347-1G>C based on the NM_001048171.1 transcript. Although RNA studies have not been reported, this variant is expected to disrupt RNA splicing and result in an absent or non-functional protein product. This variant has been reported in multiple individuals affected with adenomatous polyposis in compound heterozygous state with pathogenic mutations (PMID: 12853198, 15366000, 17949294, 19032956, 19732775, 19793053, 23561487). This variant has not been identified in the general population by the Genome Aggregation Database (gnomAD). Different variants affecting the same splice acceptor site, c.389-1G>A and c.389-2A>G, are known to be disease-causing (Clinvar variation ID: 186819 and 215998). Loss of MUTYH function is a known mechanism of disease. Based on the available evidence, this variant is classified as Pathogenic.

Quest Diagnostics Nichols Institute San Juan Capistrano
Classification: Pathogenic. Last evaluated: 2024-05-23. Review status: criteria provided, single submitter. Criteria: Quest Diagnostics criteria. Collection method: clinical testing. Allele origin: unknown.
Comment: The MUTYH c.389-1G>C variant disrupts a canonical splice-acceptor site and interferes with normal MUTYH mRNA splicing. This variant has been reported in the published literature in individuals with breast cancer (PMID: 35264596 (2022), 33606809 (2021)). This variant has also been identified in individuals with MUTYH-associated polyposis (MAP), polyposis, and familial adenosis polyposis (FAP) who also carried a second pathogenic MUTYH variant (PMID: 23561487 (2013), 19732775 (2009), 19793053 (2009), 15366000 (2004), 15366000 (2004)). The frequency of this variant in the general population, 0.0002 (3/15286 chromosomes (Genome Aggregation Database)), is consistent with pathogenicity. Based on the available information, this variant is classified as pathogenic.

Baylor Genetics
Classification: Pathogenic for Familial adenomatous polyposis 2. Last evaluated: 2024-02-29. Review status: criteria provided, single submitter. Criteria: ACMG Guidelines, 2015. Collection method: clinical testing. Allele origin: unknown.

All of Us Research Program, National Institutes of Health
Classification: Pathogenic for Familial adenomatous polyposis 2. Last evaluated: 2023-11-20. Review status: criteria provided, single submitter. Criteria: ACMG Guidelines, 2015. Collection method: clinical testing. Allele origin: germline. Inheritance: Autosomal recessive inheritance. Observed: 3 variant alleles, 3 heterozygotes.
Comment: This variant causes a G to C nucleotide substitution at the -1 position of intron 4 splice acceptor site of the MUTYH gene. This variant is also known as c.347-1G>C based on the NM_001048171.1 transcript. Although RNA studies have not been reported, this variant is expected to disrupt RNA splicing and result in an absent or non-functional protein product. This variant has been reported in multiple individuals affected with adenomatous polyposis in compound heterozygous state with pathogenic mutations (PMID: 12853198, 15366000, 17949294, 19032956, 19732775, 19793053, 23561487). This variant has not been identified in the general population by the Genome Aggregation Database (gnomAD). Different variants affecting the same splice acceptor site, c.389-1G>A and c.389-2A>G, are known to be disease-causing (Clinvar variation ID: 186819 and 215998). Loss of MUTYH function is a known mechanism of disease. Based on the available evidence, this variant is classified as Pathogenic.

This study involves interpretation of variants in research participants for the purpose of population health screening. Participant phenotype was not available at the time of variant classification. Additional details can be found in publication PMID: 35346344, PMCID: PMC8962531

GeneDx
Classification: Pathogenic. Last evaluated: 2023-05-19. Review status: criteria provided, single submitter. Criteria: GeneDx Variant Classification Process June 2021. Collection method: clinical testing. Allele origin: germline. Affected: yes.
Comment: Canonical splice site variant predicted to result in a null allele in a gene for which loss of function is a known mechanism of disease; Not observed at significant frequency in large population cohorts (gnomAD); In silico analysis supports a deleterious effect on splicing; This variant is associated with the following publications: (PMID: 19725997, 19732775, 17949294, 12853198, 24470512, 15366000, 23561487, 19793053, 19032956, 33084842, 35264596, 33606809)

NM_001048174.2(MUTYH):c.305-1G>C

Gene: MUTYH (mutY DNA glycosylase; minus strand). Cytogenetic location: 1p34.1.
Variant type: single nucleotide variant.
Coding change: c.305-1G>C on transcript NM_001048174.2 (MANE Select); the canonical splice acceptor site of the intron before coding-DNA position 305, G replaced by C.
Molecular consequence: splice acceptor variant. On other transcripts: intron variant (3).
Genome position (GRCh38, 1-based): chr1:45,333,171, C>G on the plus strand (G>C on the coding strand, the complement: MUTYH is on the minus strand). VCF-style: chr1-45333171-C-G. GRCh37 (hg19) VCF-style: chr1-45798843-C-G.
Other names: c.305-1G>C (NM_001407072.1, NM_001048171.2, NM_001407070.1 and 6 more transcripts); c.33+114G>C (NM_001350651.2, NM_001350650.2, NM_001407082.1); c.29-1G>C (NM_001293192.2, NM_001293196.2, NM_001407091.1); c.347-1G>C (NM_001407073.1, NM_001407083.1, NM_001407085.1); c.350-1G>C (NM_001293190.2); c.380-1G>C (NM_001407069.1, NM_012222.3); c.389-1G>C (NM_001128425.2); c.308-1G>C (NM_001407071.1, NM_001407079.1, NM_001048172.2 and 2 more transcripts); and 3 more.
Identifiers: ClinVar variation 234229 (VCV000234229.37), dbSNP rs372267274, ClinGen allele CA10577740.